The following is an entry in ClinVar:

ClinVar aggregate classification (germline): Uncertain significance (1 of 4 stars; one submission).

Conditions:
Cardiomyopathy (CMYO). Also called: Cardiomyopathies. Identifiers: Orphanet 167848, MedGen C0878544, MONDO:0004994, HP:0001638. Inheritance: Various modes of inheritance.

Submission:

Color Diagnostics, LLC DBA Color Health
Classification: Uncertain significance for Cardiomyopathy. Last evaluated: 2024-11-17. Review status: criteria provided, single submitter. Criteria: ACMG Guidelines, 2015. Collection method: clinical testing. Allele origin: germline.
Comment: This missense variant replaces histidine with asparagine at codon 1267 of the RYR2 protein. Computational prediction is inconclusive regarding the impact of this variant on protein structure and function (internally defined REVEL score threshold 0.5 < inconclusive < 0.7, PMID: 27666373). To our knowledge, functional studies have not been reported for this variant. This variant has not been reported in individuals affected with RYR2-related disorders in the literature. This variant has not been identified in the general population by the Genome Aggregation Database (gnomAD). The available evidence is insufficient to determine the role of this variant in disease conclusively. Therefore, this variant is classified as a Variant of Uncertain Significance.

NM_001035.3(RYR2):c.3799C>A (p.His1267Asn)

Genes: RYR2 (ryanodine receptor 2; plus strand), LOC126806067 (BRD4-independent group 4 enhancer GRCh37_chr1:237753258-237754457; plus strand). Cytogenetic location: 1q43.
Variant type: single nucleotide variant.
Coding change: c.3799C>A on transcript NM_001035.3 (MANE Select); coding-DNA position 3799, C replaced by A.
Protein change: p.His1267Asn; replaces histidine 1267 with asparagine.
Molecular consequence: missense variant.
Genome position (GRCh38, 1-based): chr1:237,589,993, C>A. VCF-style: chr1-237589993-C-A. GRCh37 (hg19) VCF-style: chr1-237753293-C-A.
Other names: short protein forms H1267N.
Identifiers: ClinVar variation 3893861 (VCV003893861.1).
Genomic context (GRCh38, chr1:237,589,993, plus strand): 5'-ATTACCATGTGGCTGAGCAAGAGGCTTCCTCAGTTTCTTCAAGTTCCATCAAACCATGAA[C>A]ATATAGAGGTTTGCTTTTTCTTTAAAAATCAGGCCATTTCTAAAAAGCAGGAAAAGAATA-3'
Protein context (NP_001026.2, residues 1257-1277): QFLQVPSNHE[His1267Asn]IEVTRIDGTI